The following is an entry in ClinVar:

NM_007194.4(CHEK2):c.1292G>C (p.Arg431Thr)

Gene: CHEK2 (checkpoint kinase 2; minus strand). Cytogenetic location: 22q12.1.
Variant type: single nucleotide variant.
Coding change: c.1292G>C on transcript NM_007194.4 (MANE Select); coding-DNA position 1292, G replaced by C.
Protein change: p.Arg431Thr; replaces arginine 431 with threonine.
Molecular consequence: missense variant.
Genome position (GRCh38, 1-based): chr22:28,695,210, C>G on the plus strand (G>C on the coding strand, the complement: CHEK2 is on the minus strand). VCF-style: chr22-28695210-C-G. GRCh37 (hg19) VCF-style: chr22-29091198-C-G.
Other names: c.1292G>C (NM_007194.3); c.1421G>C, p.Arg474Thr (NM_001005735.3); c.629G>C, p.Arg210Thr (NM_001257387.3); c.1091G>C, p.Arg364Thr (NM_001349956.3); c.1205G>C, p.Arg402Thr (NM_145862.3); short protein forms R210T, R364T, R402T, R431T, R474T.
Identifiers: ClinVar variation 3604930 (VCV003604930.3).

ClinVar aggregate classification (germline): Uncertain significance. Review status: criteria provided, multiple submitters, no conflicts (2 of 4 stars). 2 submissions from 2 submitters: Uncertain significance (2). Last evaluated 2026-05-04.

Conditions:
Hereditary cancer-predisposing syndrome. Also called: Hereditary neoplastic syndrome; Tumor predisposition; Hereditary Cancer Syndrome; Neoplastic Syndromes, Hereditary. Identifiers: Orphanet 140162, MedGen C0027672, MeSH D009386, MONDO:0015356.
Familial cancer of breast. Also called: BREAST CANCER, FAMILIAL; Hereditary breast cancer; hereditary breast carcinoma. Identifiers: Orphanet 227535, MedGen C0346153, MONDO:0016419, OMIM 114480. Disease mechanism: loss of function.

Submissions (2):

Ambry Genetics
Classification: Uncertain significance for Hereditary cancer-predisposing syndrome. Last evaluated: 2026-05-04. Review status: criteria provided, single submitter. Criteria: Ambry Variant Classification Scheme 2023. Collection method: clinical testing. Allele origin: germline.
Comment: The p.R431T variant (also known as c.1292G>C), located in coding exon 11 of the CHEK2 gene, results from a G to C substitution at nucleotide position 1292. The arginine at codon 431 is replaced by threonine, an amino acid with similar properties. This amino acid position is conserved. In addition, this alteration is predicted to be tolerated by in silico analysis. Based on the available evidence, the clinical significance of this variant remains unclear.

Labcorp Genetics (formerly Invitae), Labcorp
Classification: Uncertain significance for Familial cancer of breast. Last evaluated: 2024-04-13. Review status: criteria provided, single submitter. Criteria: Invitae Variant Classification Sherloc (09022015). Collection method: clinical testing. Allele origin: germline.
Comment: This sequence change replaces arginine, which is basic and polar, with threonine, which is neutral and polar, at codon 431 of the CHEK2 protein (p.Arg431Thr). This variant is not present in population databases (gnomAD no frequency). This variant has not been reported in the literature in individuals affected with CHEK2-related conditions. An algorithm developed to predict the effect of missense changes on protein structure and function (PolyPhen-2) suggests that this variant is likely to be tolerated. In summary, the available evidence is currently insufficient to determine the role of this variant in disease. Therefore, it has been classified as a Variant of Uncertain Significance.